The following is an entry in ClinVar:

ClinVar aggregate classification (germline): Uncertain significance. Review status: criteria provided, multiple submitters, no conflicts (2 of 4 stars). 2 submissions from 2 submitters: Uncertain significance (2). Last evaluated 2024-06-16.

Conditions:
Hereditary cancer-predisposing syndrome. Also called: Neoplastic Syndromes, Hereditary; Hereditary Cancer Syndrome; Hereditary neoplastic syndrome; Tumor predisposition. Identifiers: Orphanet 140162, MedGen C0027672, MeSH D009386, MONDO:0015356.

gnomAD v4.1: 1 of 1,583,288 alleles (0.000063%); highest among the groups gnomAD compares: Non-Finnish European, 0.000085%; no homozygotes.

Submissions (2):

Ambry Genetics
Classification: Uncertain significance for Hereditary cancer-predisposing syndrome. Last evaluated: 2024-06-16. Review status: criteria provided, single submitter. Criteria: Ambry Variant Classification Scheme 2023. Collection method: clinical testing. Allele origin: germline.
Comment: The p.E43K variant (also known as c.127G>A), located in coding exon 1 of the NTHL1 gene, results from a G to A substitution at nucleotide position 127. The glutamic acid at codon 43 is replaced by lysine, an amino acid with similar properties. This amino acid position is conserved. In addition, this alteration is predicted to be tolerated by in silico analysis. Based on the available evidence, the clinical significance of this variant remains unclear.

Labcorp Genetics (formerly Invitae), Labcorp
Classification: Uncertain significance. Last evaluated: 2022-04-08. Review status: criteria provided, single submitter. Criteria: Invitae Variant Classification Sherloc (09022015). Collection method: clinical testing. Allele origin: germline.
Comment: In summary, the available evidence is currently insufficient to determine the role of this variant in disease. Therefore, it has been classified as a Variant of Uncertain Significance. Algorithms developed to predict the effect of missense changes on protein structure and function output the following: SIFT: "Not Available"; PolyPhen-2: "Benign"; Align-GVGD: "Not Available". The lysine amino acid residue is found in multiple mammalian species, which suggests that this missense change does not adversely affect protein function. This variant has not been reported in the literature in individuals affected with NTHL1-related conditions. This variant is not present in population databases (gnomAD no frequency). This sequence change replaces glutamic acid, which is acidic and polar, with lysine, which is basic and polar, at codon 43 of the NTHL1 protein (p.Glu43Lys).

NM_002528.7(NTHL1):c.103G>A (p.Glu35Lys)

Gene: NTHL1 (nth like DNA glycosylase 1; minus strand). Cytogenetic location: 16p13.3.
Variant type: single nucleotide variant.
Coding change: c.103G>A on transcript NM_002528.7 (MANE Select); coding-DNA position 103, G replaced by A.
Protein change: p.Glu35Lys; replaces glutamic acid 35 with lysine.
Molecular consequence: missense variant. On other transcripts: 5 prime UTR variant (1).
Genome position (GRCh38, 1-based): chr16:2,047,721, C>T on the plus strand (G>A on the coding strand, the complement: NTHL1 is on the minus strand). VCF-style: chr16-2047721-C-T. GRCh37 (hg19) VCF-style: chr16-2097722-C-T.
Other names: c.127G>A (NM_002528.5); c.103G>A, p.Glu35Lys (NM_001318193.2); c.-76G>A (NM_001318194.2); short protein forms E35K.
Identifiers: ClinVar variation 1435589 (VCV001435589.8), dbSNP rs747272786, ClinGen allele CA394298270.
Genomic context (GRCh38, chr16:2,047,721, plus strand): 5'-AGCCCCTATCCCGCCTCCTCCCACGCTCCAGCCACGGCGCGGCGCTACCTGCTGCAGCCT[C>T]TCTTCTCCGGAGAGGCCCGGGCTCCTCCCTACACCCCCGCGGCCCAGCCCCGGGTCCCAG-3'
Protein context (NP_002519.2, residues 25-45): REEPGPLRRR[Glu35Lys]AAAEARKSHS